The following is an entry in ClinVar:

ClinVar aggregate classification (germline): Uncertain significance. Review status: criteria provided, multiple submitters, no conflicts (2 of 4 stars). 2 submissions from 2 submitters: Uncertain significance (2). Last evaluated 2024-10-23.

Conditions:
Sulfite oxidase deficiency due to molybdenum cofactor deficiency type A. Also called: Molybdenum Cofactor Deficiency A; Molybdenum cofactor deficiency, complementation group A. Identifiers: Orphanet 308386, Orphanet 833, MedGen C1854988, MONDO:0009643, OMIM 252150.
Inborn genetic diseases. Identifiers: MedGen C0950123, MeSH D030342.

gnomAD v4.1: 5 of 1,612,650 alleles (0.00031%); highest among the groups gnomAD compares: Non-Finnish European, 0.00042%; no homozygotes.

Submissions (2):

Labcorp Genetics (formerly Invitae), Labcorp
Classification: Uncertain significance for Sulfite oxidase deficiency due to molybdenum cofactor deficiency type A. Last evaluated: 2024-10-23. Review status: criteria provided, single submitter. Criteria: Invitae Variant Classification Sherloc (09022015). Collection method: clinical testing. Allele origin: germline.
Comment: This sequence change replaces isoleucine, which is neutral and non-polar, with phenylalanine, which is neutral and non-polar, at codon 131 of the MOCS1 protein (p.Ile131Phe). This variant is present in population databases (rs528340821, gnomAD 0.002%). This variant has not been reported in the literature in individuals affected with MOCS1-related conditions. ClinVar contains an entry for this variant (Variation ID: 1347097). An algorithm developed to predict the effect of missense changes on protein structure and function (PolyPhen-2) suggests that this variant is likely to be disruptive. In summary, the available evidence is currently insufficient to determine the role of this variant in disease. Therefore, it has been classified as a Variant of Uncertain Significance.

Ambry Genetics
Classification: Uncertain significance for Inborn genetic diseases. Last evaluated: 2024-05-20. Review status: criteria provided, single submitter. Criteria: Ambry Variant Classification Scheme 2023. Collection method: clinical testing. Allele origin: germline.

NM_001358530.2(MOCS1):c.391A>T (p.Ile131Phe)

Gene: MOCS1 (molybdenum cofactor synthesis 1; minus strand). Cytogenetic location: 6p21.2.
Variant type: single nucleotide variant.
Coding change: c.391A>T on transcript NM_001358530.2 (MANE Select); coding-DNA position 391, A replaced by T.
Protein change: p.Ile131Phe; replaces isoleucine 131 with phenylalanine.
Molecular consequence: missense variant. On other transcripts: non-coding transcript variant (1).
Genome position (GRCh38, 1-based): chr6:39,925,705, T>A on the plus strand (A>T on the coding strand, the complement: MOCS1 is on the minus strand). VCF-style: chr6-39925705-T-A. GRCh37 (hg19) VCF-style: chr6-39893449-T-A.
Other names: c.391A>T, p.Ile131Phe (NM_001075098.4, NM_001358529.2, NM_005943.6); c.130A>T, p.Ile44Phe (NM_001358531.2, NM_001358533.2, NM_001358534.2); c.391A>T (NM_005943.5); short protein forms I131F, I44F.
Identifiers: ClinVar variation 1347097 (VCV001347097.8), dbSNP rs528340821, ClinGen allele CA3796318.
Genomic context (GRCh38, chr6:39,925,705, plus strand): 5'-GGGAGAAGTGGCGATGACTTTCGTCCAACTCACCCACAATGTCCACCACGTCCGGCCGGA[T>A]AAGCGGCTCTCCACCTGTGAGCCGGATCTTGTCGATGCCTTCCTTCACAAAGAGCCGGGC-3'
Protein context (NP_001345459.1, residues 121-141): KIRLTGGEPL[Ile131Phe]RPDVVDIVAQ